The following is an entry in ClinVar:

NM_000179.3(MSH6):c.1023T>A (p.Ser341=)

Gene: MSH6 (mutS homolog 6; plus strand). Cytogenetic location: 2p16.3.
Variant type: single nucleotide variant.
Coding change: c.1023T>A on transcript NM_000179.3 (MANE Select); coding-DNA position 1023, T replaced by A.
Protein change: p.Ser341=; no amino-acid change (serine 341 retained).
Molecular consequence: synonymous variant. On other transcripts: non-coding transcript variant (4), intron variant (1).
Genome position (GRCh38, 1-based): chr2:47,799,006, T>A. VCF-style: chr2-47799006-T-A. GRCh37 (hg19) VCF-style: chr2-48026145-T-A.
Other names: c.633T>A, p.Ser211= (NM_001281492.2); c.117T>A, p.Ser39= (NM_001281493.2, NM_001281494.2, NM_001406811.1 and 6 more transcripts); c.1119T>A, p.Ser373= (NM_001406795.1, NM_001406802.1); c.1023T>A, p.Ser341= (NM_001406796.1, NM_001406798.1, NM_001406800.1 and 4 more transcripts); c.726T>A, p.Ser242= (NM_001406797.1, NM_001406801.1, NM_001406805.1 and 10 more transcripts); c.498T>A, p.Ser166= (NM_001406799.1, NM_001406806.1, NM_001406807.1); c.945T>A, p.Ser315= (NM_001406804.1); c.1029T>A, p.Ser343= (NM_001406813.1); and 2 more.
Identifiers: ClinVar variation 3904351 (VCV003904351.1).
Genomic context (GRCh38, chr2:47,799,006, plus strand): 5'-AGCCACCAAACAAGCAACTAGCATTTCATCAGAAACCAAGAATACTTTGAGAGCTTTCTC[T>A]GCCCCTCAAAATTCTGAATCCCAAGCCCACGTTAGTGGAGGTGGTGATGACAGTAGTCGC-3'
Protein context (NP_000170.1, residues 331-351): SETKNTLRAF[Ser341=]APQNSESQAH

ClinVar aggregate classification (germline): Benign (1 of 4 stars; one submission).

Conditions:
Lynch syndrome 5 (LYNCH5). Also called: Colorectal cancer, hereditary nonpolyposis, type 5; Hereditary non-polyposis colorectal cancer, type 5. Identifiers: Orphanet 144, MedGen C1833477, MONDO:0013710, OMIM 614350. Disease mechanism: loss of function.

Submission:

Myriad Genetics, Inc.
Classification: Benign for Lynch syndrome 5. Last evaluated: 2024-12-20. Review status: criteria provided, single submitter. Criteria: Myriad Autosomal Dominant, Autosomal Recessive and X-Linked Classification Criteria (2023). Collection method: clinical testing. Allele origin: unknown.
Comment: This variant is considered benign. This variant is a silent/synonymous amino acid change and it is not expected to impact splicing.